The following is an entry in ClinVar:

ClinVar aggregate classification (germline): Uncertain significance. Review status: criteria provided, multiple submitters, no conflicts (2 of 4 stars). 2 submissions from 2 submitters: Uncertain significance (2). Last evaluated 2026-04-01.

Conditions:
TECTA-related disorder. Also called: TECTA-related condition.

gnomAD v4.1: 3 of 1,614,218 alleles (0.00019%); highest among the groups gnomAD compares: Non-Finnish European, 0.00025%; no homozygotes.

Submissions (2):

PreventionGenetics, part of Exact Sciences
Classification: Uncertain significance for TECTA-related condition. Last evaluated: 2026-04-01. Review status: criteria provided, single submitter. Criteria: ACMG Guidelines, 2015. Collection method: clinical testing. Allele origin: germline.
Comment: The TECTA c.2398T>G variant is predicted to result in the amino acid substitution p.Phe800Val. To our knowledge, this variant has not been reported in the literature or in a large population database (gnomAD), indicating this variant is rare. At this time, the clinical significance of this variant is uncertain due to the absence of conclusive functional and genetic evidence.

Labcorp Genetics (formerly Invitae), Labcorp
Classification: Uncertain significance. Last evaluated: 2021-03-07. Review status: criteria provided, single submitter. Criteria: Invitae Variant Classification Sherloc (09022015). Collection method: clinical testing. Allele origin: germline.
Comment: This sequence change replaces phenylalanine with valine at codon 800 of the TECTA protein (p.Phe800Val). The phenylalanine residue is highly conserved and there is a small physicochemical difference between phenylalanine and valine. This variant is not present in population databases (ExAC no frequency). This variant has not been reported in the literature in individuals with TECTA-related conditions. Algorithms developed to predict the effect of missense changes on protein structure and function (SIFT, PolyPhen-2, Align-GVGD) all suggest that this variant is likely to be tolerated, but these predictions have not been confirmed by published functional studies and their clinical significance is uncertain. In summary, the available evidence is currently insufficient to determine the role of this variant in disease. Therefore, it has been classified as a Variant of Uncertain Significance.

NM_005422.4(TECTA):c.2398T>G (p.Phe800Val)

Genes: TBCEL-TECTA (TBCEL-TECTA readthrough; plus strand), TECTA (tectorin alpha; plus strand), LOC126861365 (P300/CBP strongly-dependent group 1 enhancer GRCh37_chr11:121000154-121001353; plus strand). Cytogenetic location: 11q23.3.
Variant type: single nucleotide variant.
Coding change: c.2398T>G on transcript NM_005422.4 (MANE Select); coding-DNA position 2398, T replaced by G.
Protein change: p.Phe800Val; replaces phenylalanine 800 with valine.
Molecular consequence: missense variant.
Genome position (GRCh38, 1-based): chr11:121,129,668, T>G. VCF-style: chr11-121129668-T-G. GRCh37 (hg19) VCF-style: chr11-121000377-T-G.
Other names: c.3355T>G, p.Phe1119Val (NM_001378761.1); short protein forms F800V, F1119V.
Identifiers: ClinVar variation 1489594 (VCV001489594.10), dbSNP rs1247039679, ClinGen allele CA383015341.
Genomic context (GRCh38, chr11:121,129,668, plus strand): 5'-GGAATTGATAAGAATGACTTGATTTTTCAGTTGAATGGTCAGGAAGTGGAATTGCCTTTT[T>G]TCCATCCTTCGGGGAAGCTGGAAATTTATCGAAACAAAAACAGTACGACAGTGGAGTCCA-3'
Protein context (NP_005413.2, residues 790-810): LNGQEVELPF[Phe800Val]HPSGKLEIYR